The following is an entry in ClinVar:

ClinVar aggregate classification (germline): Uncertain significance (1 of 4 stars; one submission).

Conditions:
Inborn genetic diseases. Identifiers: MedGen C0950123, MeSH D030342.

gnomAD v4.1: 1 of 1,613,368 alleles (0.000062%); highest among the groups gnomAD compares: Non-Finnish European, 0.000085%; no homozygotes.

Submission:

Ambry Genetics
Classification: Uncertain significance for Inborn genetic diseases. Last evaluated: 2025-11-25. Review status: criteria provided, single submitter. Criteria: Ambry Variant Classification Scheme 2023. Collection method: clinical testing. Allele origin: germline.
Comment: The p.C1392R variant (also known as c.4174T>C), located in coding exon 1 of the SAMD9L gene, results from a T to C substitution at nucleotide position 4174. The cysteine at codon 1392 is replaced by arginine, an amino acid with highly dissimilar properties. This amino acid position is conserved. In addition, the in silico prediction for this alteration is inconclusive. Based on the available evidence, the clinical significance of this variant remains unclear.

NM_152703.5(SAMD9L):c.4174T>C (p.Cys1392Arg)

Gene: SAMD9L (sterile alpha motif domain containing 9 like; minus strand). Cytogenetic location: 7q21.2.
Variant type: single nucleotide variant.
Coding change: c.4174T>C on transcript NM_152703.5 (MANE Select); coding-DNA position 4174, T replaced by C.
Protein change: p.Cys1392Arg; replaces cysteine 1392 with arginine.
Molecular consequence: missense variant.
Genome position (GRCh38, 1-based): chr7:93,131,798, A>G on the plus strand (T>C on the coding strand, the complement: SAMD9L is on the minus strand). VCF-style: chr7-93131798-A-G. GRCh37 (hg19) VCF-style: chr7-92761111-A-G.
Other names: c.4174T>C, p.Cys1392Arg (NM_001303496.3, NM_001303497.3, NM_001303498.3 and 5 more transcripts); short protein forms C1392R.
Identifiers: ClinVar variation 4630142 (VCV004630142.1).